The following is an entry in ClinVar:

NM_000059.4(BRCA2):c.5133A>G (p.Val1711=)

Gene: BRCA2 (BRCA2 DNA repair associated; plus strand). Cytogenetic location: 13q13.1.
Variant type: single nucleotide variant.
Coding change: c.5133A>G on transcript NM_000059.4 (MANE Select); coding-DNA position 5133, A replaced by G.
Protein change: p.Val1711=; no amino-acid change (valine 1711 retained).
Molecular consequence: synonymous variant.
Genome position (GRCh38, 1-based): chr13:32,339,488, A>G. VCF-style: chr13-32339488-A-G. GRCh37 (hg19) VCF-style: chr13-32913625-A-G.
Identifiers: ClinVar variation 427527 (VCV000427527.5), dbSNP rs749748066, ClinGen allele CA6940850.

ClinVar aggregate classification (germline): Likely benign. Review status: reviewed by expert panel (3 of 4 stars). 2 submissions from 2 submitters: Likely benign (1). 1 of the submissions does not count toward it. Last evaluated 2017-06-29.

Conditions:
Breast-ovarian cancer, familial, susceptibility to, 2 (BROVCA2). Also called: BRCA2 Hereditary Breast and Ovarian Cancer. Identifiers: Orphanet 145, MedGen C2675520, MONDO:0012933, OMIM 612555. Disease mechanism: loss of function.
Hereditary cancer-predisposing syndrome. Also called: Hereditary neoplastic syndrome; Tumor predisposition; Neoplastic Syndromes, Hereditary; Hereditary Cancer Syndrome. Identifiers: Orphanet 140162, MedGen C0027672, MeSH D009386, MONDO:0015356.

Allele frequency attached by ClinVar (database versions not stated): gnomAD exomes below 0.00001; ExAC 0.00001.

Submissions (2):

Evidence-based Network for the Interpretation of Germline Mutant Alleles (ENIGMA)
Classification: Likely benign for Breast-ovarian cancer, familial, susceptibility to, 2. Last evaluated: 2017-06-29. Review status: reviewed by expert panel. Criteria: ENIGMA BRCA1/2 Classification Criteria (2017-06-29). Collection method: curation. Allele origin: germline.
Comment: Synonymous substitution variant, with low bioinformatic likelihood to result in a splicing aberration (Splicing prior probability 0.02).

Ambry Genetics
Classification: Likely benign for Hereditary cancer-predisposing syndrome. Last evaluated: 2021-09-13. Review status: criteria provided, single submitter. Criteria: Ambry Variant Classification Scheme 2023. Collection method: clinical testing. Allele origin: germline. Not counted in ClinVar's aggregate classification.